The following is an entry in ClinVar:

NM_003489.4(NRIP1):c.1727A>G (p.Lys576Arg)

Gene: NRIP1 (nuclear receptor interacting protein 1; minus strand). Cytogenetic location: 21q11.2.
Variant type: single nucleotide variant.
Coding change: c.1727A>G on transcript NM_003489.4 (MANE Select); coding-DNA position 1727, A replaced by G.
Protein change: p.Lys576Arg; replaces lysine 576 with arginine.
Molecular consequence: missense variant.
Genome position (GRCh38, 1-based): chr21:14,966,466, T>C on the plus strand (A>G on the coding strand, the complement: NRIP1 is on the minus strand). VCF-style: chr21-14966466-T-C. GRCh37 (hg19) VCF-style: chr21-16338787-T-C.
Other names: short protein forms K576R.
Identifiers: ClinVar variation 2636783 (VCV002636783.1), dbSNP rs111722686, ClinGen allele CA9981285.

ClinVar aggregate classification (germline): Uncertain significance (1 of 4 stars; one submission).

Conditions:
NRIP1-related disorder. Also called: NRIP1-related condition.

Allele frequency attached by ClinVar (database versions not stated): ExAC 0.00001; gnomAD 0.00003; TOPMed 0.00003.
gnomAD v4.1: 25 of 1,613,964 alleles (0.0015%); highest among the groups gnomAD compares: East Asian, 0.0067%; no homozygotes.

Submission:

PreventionGenetics, part of Exact Sciences
Classification: Uncertain significance for NRIP1-related condition. Last evaluated: 2023-08-16. Review status: criteria provided, single submitter. Criteria: ACMG Guidelines, 2015. Collection method: clinical testing. Allele origin: germline.
Comment: The NRIP1 c.1727A>G variant is predicted to result in the amino acid substitution p.Lys576Arg. To our knowledge, this variant has not been reported in the literature. This variant is reported in 0.0054% of alleles in individuals of East Asian descent in gnomAD. At this time, the clinical significance of this variant is uncertain due to the absence of conclusive functional and genetic evidence.